The following is an entry in ClinVar:

NM_002662.5(PLD1):c.2620T>G (p.Ser874Ala)

Gene: PLD1 (phospholipase D1; minus strand). Cytogenetic location: 3q26.31.
Variant type: single nucleotide variant.
Coding change: c.2620T>G on transcript NM_002662.5 (MANE Select); coding-DNA position 2620, T replaced by G.
Protein change: p.Ser874Ala; replaces serine 874 with alanine.
Molecular consequence: missense variant.
Genome position (GRCh38, 1-based): chr3:171,620,494, A>C on the plus strand (T>G on the coding strand, the complement: PLD1 is on the minus strand). VCF-style: chr3-171620494-A-C. GRCh37 (hg19) VCF-style: chr3-171338284-A-C.
Other names: c.2506T>G, p.Ser836Ala (NM_001130081.3); c.2620T>G (NM_002662.4); short protein forms S836A, S874A.
Identifiers: ClinVar variation 1444487 (VCV001444487.5), dbSNP rs375020903, ClinGen allele CA2704163.

ClinVar aggregate classification (germline): Uncertain significance. Review status: criteria provided, multiple submitters, no conflicts (2 of 4 stars). 3 submissions from 3 submitters: Uncertain significance (3). Last evaluated 2024-03-08.

Conditions:
Inborn genetic diseases. Identifiers: MedGen C0950123, MeSH D030342.

Allele frequency attached by ClinVar (database versions not stated): gnomAD 0.00005; gnomAD exomes 0.00007; TOPMed 0.00007; ESP Exome Variant Server 0.00008; ExAC 0.00010.
gnomAD v4.1: 184 of 1,592,558 alleles (0.012%); highest among the groups gnomAD compares: Middle Eastern, 0.2%; no homozygotes.

Submissions (3):

Ambry Genetics
Classification: Uncertain significance for Inborn genetic diseases. Last evaluated: 2024-03-08. Review status: criteria provided, single submitter. Criteria: Ambry Variant Classification Scheme 2023. Collection method: clinical testing. Allele origin: germline.

Labcorp Genetics (formerly Invitae), Labcorp
Classification: Uncertain significance. Last evaluated: 2022-06-25. Review status: criteria provided, single submitter. Criteria: Invitae Variant Classification Sherloc (09022015). Collection method: clinical testing. Allele origin: germline.
Comment: This sequence change replaces serine, which is neutral and polar, with alanine, which is neutral and non-polar, at codon 874 of the PLD1 protein (p.Ser874Ala). This variant is present in population databases (rs375020903, gnomAD 0.01%). This variant has not been reported in the literature in individuals affected with PLD1-related conditions. Algorithms developed to predict the effect of missense changes on protein structure and function (SIFT, PolyPhen-2, Align-GVGD) all suggest that this variant is likely to be tolerated. In summary, the available evidence is currently insufficient to determine the role of this variant in disease. Therefore, it has been classified as a Variant of Uncertain Significance.

Breakthrough Genomics
Classification: Uncertain significance. Review status: criteria provided, single submitter. Criteria: ACMG Guidelines, 2015. Collection method: not provided. Allele origin: germline. Inheritance: Autosomal recessive inheritance. Affected: yes.